The following is an entry in ClinVar:

NM_000478.6(ALPL):c.113_117delinsTG (p.Lys38_Tyr39delinsMet)

Gene: ALPL (alkaline phosphatase, biomineralization associated; plus strand). Cytogenetic location: 1p36.12.
Variant type: Indel.
Coding change: c.113_117delinsTG on transcript NM_000478.6 (MANE Select); coding-DNA positions 113 to 117, AATAT replaced by TG.
Protein change: p.Lys38_Tyr39delinsMet.
Molecular consequence: inframe indel. On other transcripts: 5 prime UTR variant (1), inframe deletion (1), initiator codon variant (1).
Genome position (GRCh38, 1-based): chr1:21,560,677-21,560,681, AATAT replaced by TG. VCF-style: chr1-21560677-AATAT-TG. GRCh37 (hg19) VCF-style: chr1-21887170-AATAT-TG.
Other names: c.-53_-49delinsTG (NM_001127501.4); c.-3_2delinsTG, p.Met1del (NM_001177520.3); c.113_117delinsTG, p.Lys38_Tyr39delinsMet (NM_001369803.2, NM_001369804.2, NM_001369805.2); short protein forms M1del.
Identifiers: ClinVar variation 4542550 (VCV004542550.1).

ClinVar aggregate classification (germline): Uncertain significance (1 of 4 stars; one submission).

Conditions:
Hypophosphatasia. Also called: Phosphoethanol-aminuria. Identifiers: Orphanet 436, MedGen C0020630, MeSH D007014, MONDO:0018570.

Submission:

JKU Lab, Dept of Paediatrics, Johannes Kepler University
Classification: Uncertain significance for Hypophosphatasia. Last evaluated: 2025-12-11. Review status: criteria provided, single submitter. Criteria: ACMG Guidelines, 2015. Collection method: curation. Allele origin: germline. Affected: yes.
Comment: This in-frame-deletion variant is not present in GnomAD 4.1. Splice-prediction algorithms predict no effect on splicing. This variant has been reported in the literature in individuals affected with ALPL-related conditions (PMID:38884565).

Literature cited by the submitters: PubMed 38884565.